The following is an entry in ClinVar:

ClinVar aggregate classification (germline): Likely benign (1 of 4 stars; one submission).

Conditions:
Macular corneal dystrophy (MCD). Also called: GROENOUW TYPE II CORNEAL DYSTROPHY; Macular corneal dystrophy Type I. Identifiers: Orphanet 98969, MedGen C1636149, MONDO:0009020, OMIM 217800.

Allele frequency attached by ClinVar (database versions not stated): gnomAD 0.00014; 1000 Genomes Project 30x 0.00031; 1000 Genomes Project 0.00040; TOPMed 0.00043.

Submission:

Illumina Laboratory Services, Illumina
Classification: Likely benign for Macular corneal dystrophy. Last evaluated: 2018-01-12. Review status: criteria provided, single submitter. Criteria: ICSL Variant Classification Criteria 13 December 2019. Collection method: clinical testing. Allele origin: germline.
Comment: This variant was observed in the ICSL laboratory as part of a predisposition screen in an ostensibly healthy population. It had not been previously curated by ICSL or reported in the Human Gene Mutation Database (HGMD: prior to June 1st, 2018), and was therefore a candidate for classification through an automated scoring system. Utilizing variant allele frequency, disease prevalence and penetrance estimates, and inheritance mode, an automated score was calculated to assess if this variant is too frequent to cause the disease. Based on the score and internal cut-off values, a variant classified as likely benign is not then subjected to further curation. The score for this variant resulted in a classification of likely benign for this disease.

NM_021615.5(CHST6):c.*1118A>G

Gene: CHST6 (carbohydrate sulfotransferase 6; minus strand). Cytogenetic location: 16q23.1.
Variant type: single nucleotide variant.
Coding change: c.*1118A>G on transcript NM_021615.5 (MANE Select); 1118 bases downstream of the stop codon, A replaced by G.
Molecular consequence: 3 prime UTR variant.
Genome position (GRCh38, 1-based): chr16:75,477,523, T>C on the plus strand (A>G on the coding strand, the complement: CHST6 is on the minus strand). VCF-style: chr16-75477523-T-C. GRCh37 (hg19) VCF-style: chr16-75511421-T-C.
Identifiers: ClinVar variation 320578 (VCV000320578.5), dbSNP rs191429909, ClinGen allele CA10648098.